The following is an entry in ClinVar:

ClinVar aggregate classification (germline): Conflicting classifications of pathogenicity. Review status: criteria provided, conflicting classifications (1 of 4 stars). 3 submissions from 3 submitters: Uncertain significance (2); Likely benign (1). Last evaluated 2025-10-14.

Conditions:
Inborn genetic diseases. Identifiers: MedGen C0950123, MeSH D030342.

Allele frequency attached by ClinVar (database versions not stated): gnomAD exomes 0.00009 and 0.00004; TOPMed 0.00011; ExAC 0.00008; gnomAD 0.00009.
gnomAD v4.1: 141 of 1,596,578 alleles (0.0088%); highest among the groups gnomAD compares: Non-Finnish European, 0.011%; 1 homozygote.

Submissions (3):

Labcorp Genetics (formerly Invitae), Labcorp
Classification: Uncertain significance. Last evaluated: 2025-10-14. Review status: criteria provided, single submitter. Criteria: Invitae Variant Classification Sherloc (09022015). Collection method: clinical testing. Allele origin: germline.
Comment: This sequence change replaces methionine, which is neutral and non-polar, with valine, which is neutral and non-polar, at codon 508 of the XPR1 protein (p.Met508Val). This variant is present in population databases (rs776143692, gnomAD 0.01%). This variant has not been reported in the literature in individuals affected with XPR1-related conditions. ClinVar contains an entry for this variant (Variation ID: 1439896). Invitae Evidence Modeling of protein sequence and biophysical properties (such as structural, functional, and spatial information, amino acid conservation, physicochemical variation, residue mobility, and thermodynamic stability) indicates that this missense variant is not expected to disrupt XPR1 protein function with a negative predictive value of 80%. In summary, the available evidence is currently insufficient to determine the role of this variant in disease. Therefore, it has been classified as a Variant of Uncertain Significance.

Ambry Genetics
Classification: Uncertain significance for Inborn genetic diseases. Last evaluated: 2025-02-12. Review status: criteria provided, single submitter. Criteria: Ambry Variant Classification Scheme 2023. Collection method: clinical testing. Allele origin: germline.

Blueprint Genetics
Classification: Likely benign. Last evaluated: 2024-09-02. Review status: criteria provided, single submitter. Criteria: ACMG Guidelines, 2015. Collection method: clinical testing. Allele origin: germline.

NM_004736.4(XPR1):c.1522A>G (p.Met508Val)

Gene: XPR1 (xenotropic and polytropic retrovirus receptor 1; plus strand). Cytogenetic location: 1q25.3.
Variant type: single nucleotide variant.
Coding change: c.1522A>G on transcript NM_004736.4 (MANE Select); coding-DNA position 1522, A replaced by G.
Protein change: p.Met508Val; replaces methionine 508 with valine.
Molecular consequence: missense variant. On other transcripts: non-coding transcript variant (1).
Genome position (GRCh38, 1-based): chr1:180,863,728, A>G. VCF-style: chr1-180863728-A-G. GRCh37 (hg19) VCF-style: chr1-180832864-A-G.
Other names: c.1327A>G, p.Met443Val (NM_001135669.2); c.1522A>G (NM_004736.3); short protein forms M508V, M443V.
Identifiers: ClinVar variation 1439896 (VCV001439896.8), dbSNP rs776143692, ClinGen allele CA1272791.